The following is an entry in ClinVar:

ClinVar aggregate classification (germline): Conflicting classifications of pathogenicity. Review status: criteria provided, conflicting classifications (1 of 4 stars). 4 submissions from 4 submitters: Uncertain significance (2); Likely benign (2). Last evaluated 2026-02-01.

Conditions:
Inborn genetic diseases. Identifiers: MedGen C0950123, MeSH D030342.

Allele frequency attached by ClinVar (database versions not stated): ExAC 0.00007; gnomAD 0.00014 and 0.00015; 1000 Genomes Project 30x 0.00016; TOPMed 0.00034; gnomAD exomes 0.00056.
gnomAD v4.1: 158 of 1,540,950 alleles (0.01%); highest among the groups gnomAD compares: Admixed American, 0.27%; no homozygotes.

Submissions (4):

Labcorp Genetics (formerly Invitae), Labcorp
Classification: Likely benign. Last evaluated: 2026-02-01. Review status: criteria provided, single submitter. Criteria: Invitae Variant Classification Sherloc (09022015). Collection method: clinical testing. Allele origin: germline.

Ambry Genetics
Classification: Uncertain significance for Inborn genetic diseases. Last evaluated: 2025-08-08. Review status: criteria provided, single submitter. Criteria: Ambry Variant Classification Scheme 2023. Collection method: clinical testing. Allele origin: germline.

Women's Health and Genetics/Laboratory Corporation of America, LabCorp
Classification: Likely benign. Last evaluated: 2024-02-08. Review status: criteria provided, single submitter. Criteria: LabCorp Variant Classification Summary - May 2015. Collection method: clinical testing. Allele origin: germline.
Comment: Variant summary: OBSL1 c.5183T>C (p.Val1728Ala) results in a non-conservative amino acid change located in the Immunoglobulin subtype (IPR003599) of the encoded protein sequence. Three of five in-silico tools predict a benign effect of the variant on protein function. The variant allele was found at a frequency of 0.00056 in 139524 control chromosomes, predominantly at a frequency of 0.003 within the Latino subpopulation in the gnomAD database. The observed variant frequency within Latino control individuals in the gnomAD database is approximately 2-fold of the estimated maximal expected allele frequency for a pathogenic variant in OBSL1 causing Three M Syndrome 2 phenotype (0.0011), strongly suggesting that the variant is a benign polymorphism found primarily in populations of Latino origin. To our knowledge, no occurrence of c.5183T>C in individuals affected with Three M Syndrome 2 and no experimental evidence demonstrating its impact on protein function have been reported. ClinVar contains an entry for this variant (Variation ID: 1046337). Based on the evidence outlined above, the variant was classified as likely benign.

Blueprint Genetics
Classification: Uncertain significance. Last evaluated: 2022-03-05. Review status: criteria provided, single submitter. Criteria: ACMG Guidelines, 2015. Collection method: clinical testing. Allele origin: germline.

NM_015311.3(OBSL1):c.5183T>C (p.Val1728Ala)

Gene: OBSL1 (obscurin like cytoskeletal adaptor 1; minus strand). Cytogenetic location: 2q35.
Variant type: single nucleotide variant.
Coding change: c.5183T>C on transcript NM_015311.3 (MANE Select); coding-DNA position 5183, T replaced by C.
Protein change: p.Val1728Ala; replaces valine 1728 with alanine.
Molecular consequence: missense variant.
Genome position (GRCh38, 1-based): chr2:219,552,661, A>G on the plus strand (T>C on the coding strand, the complement: OBSL1 is on the minus strand). VCF-style: chr2-219552661-A-G. GRCh37 (hg19) VCF-style: chr2-220417383-A-G.
Other names: c.5183T>C (NM_015311.2); short protein forms V1728A.
Identifiers: ClinVar variation 1046337 (VCV001046337.14), dbSNP rs769360822, ClinGen allele CA2130330.